The following is an entry in ClinVar:

ClinVar aggregate classification (germline): Likely benign. Review status: criteria provided, single submitter (1 of 4 stars). 2 submissions from 2 submitters: Likely benign (1). 1 of the submissions does not count toward it. Last evaluated 2025-08-29.

Conditions:
POC1A-related disorder. Also called: POC1A-related condition.

Allele frequency attached by ClinVar (database versions not stated): 1000 Genomes Project 0.00040; gnomAD exomes 0.00002; gnomAD 0.00027; 1000 Genomes Project 30x 0.00031; ESP Exome Variant Server 0.00015; TOPMed 0.00028; ExAC 0.00007.
gnomAD v4.1: 65 of 1,553,982 alleles (0.0042%); highest among the groups gnomAD compares: African/African-American, 0.08%; no homozygotes.

Submissions (2):

Labcorp Genetics (formerly Invitae), Labcorp
Classification: Likely benign. Last evaluated: 2025-08-29. Review status: criteria provided, single submitter. Criteria: Invitae Variant Classification Sherloc (09022015). Collection method: clinical testing. Allele origin: germline.

PreventionGenetics, part of Exact Sciences
Classification: Likely benign for POC1A-related condition. Last evaluated: 2019-06-25. Review status: no assertion criteria provided. Collection method: clinical testing. Allele origin: germline. Not counted in ClinVar's aggregate classification.
Comment: This variant is classified as likely benign based on ACMG/AMP sequence variant interpretation guidelines (Richards et al. 2015 PMID: 25741868, with internal and published modifications).

NM_015426.5(POC1A):c.564-10G>C

Gene: POC1A (POC1 centriolar protein A; minus strand). Cytogenetic location: 3p21.2.
Variant type: single nucleotide variant.
Coding change: c.564-10G>C on transcript NM_015426.5 (MANE Select); 10 bases into the intron before coding-DNA position 564, G replaced by C.
Molecular consequence: intron variant.
Genome position (GRCh38, 1-based): chr3:52,145,971, C>G on the plus strand (G>C on the coding strand, the complement: POC1A is on the minus strand). VCF-style: chr3-52145971-C-G. GRCh37 (hg19) VCF-style: chr3-52179987-C-G.
Other names: c.564-10G>C (NM_001161580.2); c.450-10G>C (NM_001161581.2).
Identifiers: ClinVar variation 3042604 (VCV003042604.4), dbSNP rs377149161, ClinGen allele CA2429576.